The following is an entry in ClinVar:

ClinVar aggregate classification (germline): Uncertain significance (1 of 4 stars; one submission).

Allele frequency attached by ClinVar (database versions not stated): ExAC 0.00002.

Submission:

Labcorp Genetics (formerly Invitae), Labcorp
Classification: Uncertain significance. Last evaluated: 2025-07-10. Review status: criteria provided, single submitter. Criteria: Invitae Variant Classification Sherloc (09022015). Collection method: clinical testing. Allele origin: germline.
Comment: This sequence change replaces methionine, which is neutral and non-polar, with valine, which is neutral and non-polar, at codon 142 of the MYLK3 protein (p.Met142Val). This variant is present in population databases (rs776936870, gnomAD 0.002%). This variant has not been reported in the literature in individuals affected with MYLK3-related conditions. ClinVar contains an entry for this variant (Variation ID: 2961016). An algorithm developed to predict the effect of missense changes on protein structure and function outputs the following: PolyPhen-2: "Benign". The valine amino acid residue is found in multiple mammalian species, which suggests that this missense change does not adversely affect protein function. In summary, the available evidence is currently insufficient to determine the role of this variant in disease. Therefore, it has been classified as a Variant of Uncertain Significance.

NM_182493.3(MYLK3):c.424A>G (p.Met142Val)

Gene: MYLK3 (myosin light chain kinase 3; minus strand). Cytogenetic location: 16q11.2.
Variant type: single nucleotide variant.
Coding change: c.424A>G on transcript NM_182493.3 (MANE Select); coding-DNA position 424, A replaced by G.
Protein change: p.Met142Val; replaces methionine 142 with valine.
Molecular consequence: missense variant. On other transcripts: intron variant (1).
Genome position (GRCh38, 1-based): chr16:46,747,770, T>C on the plus strand (A>G on the coding strand, the complement: MYLK3 is on the minus strand). VCF-style: chr16-46747770-T-C. GRCh37 (hg19) VCF-style: chr16-46781682-T-C.
Other names: c.-113-7623A>G (NM_001308301.1); short protein forms M142V.
Identifiers: ClinVar variation 2961016 (VCV002961016.3), dbSNP rs776936870, ClinGen allele CA8038263.
Genomic context (GRCh38, chr16:46,747,770, plus strand): 5'-AACCAACCTCCTCAGGGCTGTCACCTGGGCTGCCTCTCCTCCAGGGCACACGCCCCTGCA[T>C]GAGGAAATCCGCCACCTTTGATTTCTGGAACGTGGCCCCCACCAAAGCGATGGCCCTGTC-3'
Protein context (NP_872299.2, residues 132-152): FQKSKVADFL[Met142Val]QGRVPWRRGS